The following is an entry in ClinVar:

ClinVar aggregate classification (germline): Benign (1 of 4 stars; one submission).

Submission:

CeGaT Center for Human Genetics Tuebingen
Classification: Benign. Last evaluated: 2025-01-01. Review status: criteria provided, single submitter. Criteria: CeGaT Center For Human Genetics Tuebingen Variant Classification Criteria Version 2. Collection method: clinical testing. Allele origin: germline. Affected: yes. Observed: 1 variant allele.
Comment: ACTN1: BS1, BS2

NM_001130004.2(ACTN1):c.2587-111dup

Gene: ACTN1 (actinin alpha 1; minus strand). Cytogenetic location: 14q24.1.
Variant type: Duplication.
Coding change: c.2587-111dup on transcript NM_001130004.2 (MANE Select); 111 bases into the intron before coding-DNA position 2587, one base duplicated (A; older notation c.2587-111dupA).
Molecular consequence: intron variant. On other transcripts: frameshift variant (3).
Genome position (GRCh38, 1-based): chr14:68,875,128, T duplicated on the plus strand (A on the coding strand, the reverse complement: ACTN1 is on the minus strand); the first of 4 consecutive T bases (chr14:68,875,128-68,875,131); duplicating any one gives the same sequence. VCF-style (leftmost placement, unchanged base first): chr14-68875127-A-AT. GRCh37 (hg19) VCF-style: chr14-69341844-A-AT.
Other names: c.2539dup, p.Met847fs (NM_001424012.1); c.2524dup, p.Met842fs (NM_001424014.1); c.2356dup, p.Met786fs (NM_001424019.1); c.2257-111dup (NM_001424029.1); c.2323-111dup (NM_001424027.1); c.2338-111dup (NM_001424025.1); c.2404-111dup (NM_001424024.1); c.2440-111dup (NM_001424023.1); and 14 more; short protein forms M786fs, M842fs, M847fs.
Identifiers: ClinVar variation 3770690 (VCV003770690.13).